The following is an entry in ClinVar:

NM_004655.4(AXIN2):c.1734G>C (p.Leu578Phe)

Gene: AXIN2 (axin 2; minus strand). Cytogenetic location: 17q24.1.
Variant type: single nucleotide variant.
Coding change: c.1734G>C on transcript NM_004655.4 (MANE Select); coding-DNA position 1734, G replaced by C.
Protein change: p.Leu578Phe; replaces leucine 578 with phenylalanine.
Molecular consequence: missense variant. On other transcripts: intron variant (1).
Genome position (GRCh38, 1-based): chr17:65,537,042, C>G on the plus strand (G>C on the coding strand, the complement: AXIN2 is on the minus strand). VCF-style: chr17-65537042-C-G. GRCh37 (hg19) VCF-style: chr17-63533160-C-G.
Other names: c.1712+282G>C (NM_001363813.1); short protein forms L578F.
Identifiers: ClinVar variation 3813423 (VCV003813423.2).

ClinVar aggregate classification (germline): Uncertain significance. Review status: criteria provided, multiple submitters, no conflicts (2 of 4 stars). 2 submissions from 2 submitters: Uncertain significance (2). Last evaluated 2025-11-13.

Conditions:
Hereditary cancer-predisposing syndrome. Also called: Hereditary neoplastic syndrome; Neoplastic Syndromes, Hereditary; Tumor predisposition; Hereditary Cancer Syndrome. Identifiers: Orphanet 140162, MedGen C0027672, MeSH D009386, MONDO:0015356.
Oligodontia-cancer predisposition syndrome. Also called: TOOTH AGENESIS-COLORECTAL CANCER SYNDROME. Identifiers: Orphanet 300576, MedGen C1837750, MONDO:0012075, OMIM 608615. Disease mechanism: loss of function.

Submissions (2):

Labcorp Genetics (formerly Invitae), Labcorp
Classification: Uncertain significance for Oligodontia-cancer predisposition syndrome. Last evaluated: 2025-11-13. Review status: criteria provided, single submitter. Criteria: Invitae Variant Classification Sherloc (09022015). Collection method: clinical testing. Allele origin: germline.
Comment: This sequence change replaces leucine, which is neutral and non-polar, with phenylalanine, which is neutral and non-polar, at codon 578 of the AXIN2 protein (p.Leu578Phe). This variant is not present in population databases (gnomAD no frequency). This variant has not been reported in the literature in individuals affected with AXIN2-related conditions. ClinVar contains an entry for this variant (Variation ID: 3813423). Invitae Evidence Modeling of protein sequence and biophysical properties (such as structural, functional, and spatial information, amino acid conservation, physicochemical variation, residue mobility, and thermodynamic stability) indicates that this missense variant is not expected to disrupt AXIN2 protein function with a negative predictive value of 80%. In summary, the available evidence is currently insufficient to determine the role of this variant in disease. Therefore, it has been classified as a Variant of Uncertain Significance.

Ambry Genetics
Classification: Uncertain significance for Hereditary cancer-predisposing syndrome. Last evaluated: 2025-01-27. Review status: criteria provided, single submitter. Criteria: Ambry Variant Classification Scheme 2023. Collection method: clinical testing. Allele origin: germline.
Comment: The p.L578F variant (also known as c.1734G>C), located in coding exon 6 of the AXIN2 gene, results from a G to C substitution at nucleotide position 1734. The leucine at codon 578 is replaced by phenylalanine, an amino acid with highly similar properties. This amino acid position is conserved. In addition, this alteration is predicted to be tolerated by in silico analysis. Based on the available evidence, the clinical significance of this variant remains unclear.